The following is an entry in ClinVar:

NM_001267550.2(TTN):c.49963C>T (p.Pro16655Ser)

Genes: TTN (titin; minus strand), TTN-AS1 (TTN antisense RNA 1; plus strand). Cytogenetic location: 2q31.2.
Variant type: single nucleotide variant.
Coding change: c.49963C>T on transcript NM_001267550.2 (MANE Select); coding-DNA position 49963, C replaced by T.
Protein change: p.Pro16655Ser; replaces proline 16655 with serine.
Molecular consequence: missense variant.
Genome position (GRCh38, 1-based): chr2:178,612,562, G>A on the plus strand (C>T on the coding strand, the complement: TTN is on the minus strand). VCF-style: chr2-178612562-G-A. GRCh37 (hg19) VCF-style: chr2-179477289-G-A.
Other names: p.P15014S:CCA>TCA; c.45040C>T, p.Pro15014Ser (NM_001256850.1); c.22768C>T, p.Pro7590Ser (NM_003319.4); c.42259C>T, p.Pro14087Ser (NM_133378.4); c.23143C>T, p.Pro7715Ser (NM_133432.3); c.23344C>T, p.Pro7782Ser (NM_133437.4); c.49963C>T (NM_001267550.1); short protein forms P15014S, P16655S, P14087S, P7715S, P7590S, P7782S.
Identifiers: ClinVar variation 202680 (VCV000202680.3), dbSNP rs794729449, ClinGen allele CA309962.

ClinVar aggregate classification (germline): Uncertain significance (1 of 4 stars; one submission).

Submission:

GeneDx
Classification: Uncertain significance. Last evaluated: 2024-09-20. Review status: criteria provided, single submitter. Criteria: GeneDx Variant Classification Process June 2021. Collection method: clinical testing. Allele origin: germline. Affected: yes.
Comment: Not observed at significant frequency in large population cohorts (gnomAD); Missense variant in a gene in which most reported pathogenic variants are truncating/loss of function; Has not been previously published as pathogenic or benign to our knowledge